The following is an entry in ClinVar:

ClinVar aggregate classification (germline): Benign/Likely benign. Review status: criteria provided, multiple submitters, no conflicts (2 of 4 stars). 6 submissions from 6 submitters: Benign (5); Likely benign (1). Last evaluated 2026-02-01.

Conditions:
Bethlem myopathy 1A. Also called: Bethlem myopathy 1; MYOPATHY, BENIGN CONGENITAL, WITH CONTRACTURES; Bethlem Muscular Dystrophy. Identifiers: Orphanet 610, MedGen CN029274, MONDO:0024530, OMIM 158810.
Ullrich congenital muscular dystrophy 1A. Also called: Ullrich congenital muscular dystrophy 1; Intermediate COL6-RD. Identifiers: Orphanet 75840, MedGen C0410179, MONDO:0009681, OMIM 254090.

Allele frequency attached by ClinVar (database versions not stated): ExAC 0.00527; gnomAD 0.01135 and 0.01230; 1000 Genomes Project 0.01138; TOPMed 0.01275; 1000 Genomes Project 30x 0.01343; ESP Exome Variant Server 0.01477.
gnomAD v4.1: 4,080 of 1,567,822 alleles (0.26%); highest among the groups gnomAD compares: African/African-American, 4%; 67 homozygotes.

Submissions (6):

Labcorp Genetics (formerly Invitae), Labcorp
Classification: Benign for Bethlem myopathy 1A. Last evaluated: 2026-02-01. Review status: criteria provided, single submitter. Criteria: Invitae Variant Classification Sherloc (09022015). Collection method: clinical testing. Allele origin: germline.

Fulgent Genetics
Classification: Likely benign for Bethlem myopathy 1A; Ullrich congenital muscular dystrophy 1A. Last evaluated: 2021-09-20. Review status: criteria provided, single submitter. Criteria: ACMG Guidelines, 2015. Collection method: clinical testing. Allele origin: unknown.

Eurofins Ntd Llc (ga)
Classification: Benign. Last evaluated: 2016-07-15. Review status: criteria provided, single submitter. Criteria: EGL Classification Definitions 2015. Collection method: clinical testing. Allele origin: germline. Observed: 1 variant allele, 1 heterozygote.

GeneDx
Classification: Benign. Last evaluated: 2016-07-15. Review status: criteria provided, single submitter. Criteria: GeneDx Variant Classification (06012015). Collection method: clinical testing. Allele origin: germline. Affected: yes.
Comment: This variant is considered likely benign or benign based on one or more of the following criteria: it is a conservative change, it occurs at a poorly conserved position in the protein, it is predicted to be benign by multiple in silico algorithms, and/or has population frequency not consistent with disease.

Breakthrough Genomics
Classification: Benign. Review status: criteria provided, single submitter. Criteria: ACMG Guidelines, 2015. Collection method: not provided. Allele origin: germline. Inheritance: Autosomal recessive inheritance. Affected: yes.

PreventionGenetics, part of Exact Sciences
Classification: Benign. Review status: criteria provided, single submitter. Criteria: ACMG Guidelines, 2015. Collection method: clinical testing. Allele origin: germline.

NM_001848.3(COL6A1):c.97+20G>A

Gene: COL6A1 (collagen type VI alpha 1 chain; plus strand). Cytogenetic location: 21q22.3.
Variant type: single nucleotide variant.
Coding change: c.97+20G>A on transcript NM_001848.3 (MANE Select); 20 bases into the intron after coding-DNA position 97, G replaced by A.
Molecular consequence: intron variant.
Genome position (GRCh38, 1-based): chr21:45,981,967, G>A. VCF-style: chr21-45981967-G-A. GRCh37 (hg19) VCF-style: chr21-47401881-G-A.
Identifiers: ClinVar variation 258311 (VCV000258311.15), dbSNP rs114178849, ClinGen allele CA10069441.